The following is an entry in ClinVar:

ClinVar aggregate classification (germline): Uncertain significance. Review status: criteria provided, multiple submitters, no conflicts (2 of 4 stars). 3 submissions from 3 submitters: Uncertain significance (3). Last evaluated 2026-03-04.

Conditions:
Inborn genetic diseases. Identifiers: MedGen C0950123, MeSH D030342.
Mucopolysaccharidosis, MPS-III-A (MPS3A). Also called: HEPARAN SULFATE SULFATASE DEFICIENCY; SANFILIPPO SYNDROME A; SULFAMIDASE DEFICIENCY; MPS III A; MUCOPOLYSACCHARIDOSIS, TYPE IIIA, ATTENUATED; Mucopolysaccharidosis type IIIA (Sanfilippo A). Identifiers: Orphanet 581, Orphanet 79269, MedGen C0086647, MONDO:0009655, OMIM 252900.

Submissions (3):

GeneDx
Classification: Uncertain significance. Last evaluated: 2026-03-04. Review status: criteria provided, single submitter. Criteria: GeneDx Variant Classification Process June 2021. Collection method: clinical testing. Allele origin: germline.
Comment: In silico analysis suggests that this missense variant does not alter protein structure/function; Has not been previously published as pathogenic or benign to our knowledge

Ambry Genetics
Classification: Uncertain significance for Inborn genetic diseases. Last evaluated: 2025-01-29. Review status: criteria provided, single submitter. Criteria: Ambry Variant Classification Scheme 2023. Collection method: clinical testing. Allele origin: germline.

Labcorp Genetics (formerly Invitae), Labcorp
Classification: Uncertain significance for Mucopolysaccharidosis, MPS-III-A. Last evaluated: 2022-09-07. Review status: criteria provided, single submitter. Criteria: Invitae Variant Classification Sherloc (09022015). Collection method: clinical testing. Allele origin: germline.
Comment: This sequence change replaces glutamine, which is neutral and polar, with glutamic acid, which is acidic and polar, at codon 213 of the SGSH protein (p.Gln213Glu). This variant is present in population databases (no rsID available, gnomAD 0.03%). This variant has not been reported in the literature in individuals affected with SGSH-related conditions. Algorithms developed to predict the effect of missense changes on protein structure and function (SIFT, PolyPhen-2, Align-GVGD) all suggest that this variant is likely to be tolerated. In summary, the available evidence is currently insufficient to determine the role of this variant in disease. Therefore, it has been classified as a Variant of Uncertain Significance.

NM_000199.5(SGSH):c.637C>G (p.Gln213Glu)

Gene: SGSH (N-sulfoglucosamine sulfohydrolase; minus strand). Cytogenetic location: 17q25.3.
Variant type: single nucleotide variant.
Coding change: c.637C>G on transcript NM_000199.5 (MANE Select); coding-DNA position 637, C replaced by G.
Protein change: p.Gln213Glu; replaces glutamine 213 with glutamic acid.
Molecular consequence: missense variant. On other transcripts: non-coding transcript variant (1).
Genome position (GRCh38, 1-based): chr17:80,214,198, G>C on the plus strand (C>G on the coding strand, the complement: SGSH is on the minus strand). VCF-style: chr17-80214198-G-C. GRCh37 (hg19) VCF-style: chr17-78187997-G-C.
Other names: c.637C>G, p.Gln213Glu (NM_001352921.3, NM_001352922.2); c.637C>G (NM_000199.3); short protein forms Q213E.
Identifiers: ClinVar variation 2191934 (VCV002191934.3), dbSNP rs200644359, ClinGen allele CA294894664.